The following is an entry in ClinVar:

ClinVar aggregate classification (germline): Uncertain significance (1 of 4 stars; one submission).

Allele frequency attached by ClinVar (database versions not stated): gnomAD exomes below 0.00001; gnomAD 0.00001; TOPMed 0.00001.
gnomAD v4.1: 5 of 1,535,286 alleles (0.00033%); highest among the groups gnomAD compares: Non-Finnish European, 0.00044%; no homozygotes.

Submission:

Labcorp Genetics (formerly Invitae), Labcorp
Classification: Uncertain significance. Last evaluated: 2022-08-03. Review status: criteria provided, single submitter. Criteria: Invitae Variant Classification Sherloc (09022015). Collection method: clinical testing. Allele origin: germline.
Comment: This sequence change replaces proline, which is neutral and non-polar, with leucine, which is neutral and non-polar, at codon 803 of the PDZD7 protein (p.Pro803Leu). This variant is not present in population databases (gnomAD no frequency). This variant has not been reported in the literature in individuals affected with PDZD7-related conditions. ClinVar contains an entry for this variant (Variation ID: 958814). Algorithms developed to predict the effect of missense changes on protein structure and function output the following: SIFT: "Tolerated"; PolyPhen-2: "Not Available"; Align-GVGD: "Class C0". The leucine amino acid residue is found in multiple mammalian species, which suggests that this missense change does not adversely affect protein function. Algorithms developed to predict the effect of sequence changes on RNA splicing suggest that this variant may create or strengthen a splice site. In summary, the available evidence is currently insufficient to determine the role of this variant in disease. Therefore, it has been classified as a Variant of Uncertain Significance.

NM_001195263.2(PDZD7):c.2408C>T (p.Pro803Leu)

Gene: PDZD7 (PDZ domain containing 7; minus strand). Cytogenetic location: 10q24.31.
Variant type: single nucleotide variant.
Coding change: c.2408C>T on transcript NM_001195263.2 (MANE Select); coding-DNA position 2408, C replaced by T.
Protein change: p.Pro803Leu; replaces proline 803 with leucine.
Molecular consequence: missense variant.
Genome position (GRCh38, 1-based): chr10:101,010,481, G>A on the plus strand (C>T on the coding strand, the complement: PDZD7 is on the minus strand). VCF-style: chr10-101010481-G-A. GRCh37 (hg19) VCF-style: chr10-102770238-G-A.
Other names: short protein forms P803L.
Identifiers: ClinVar variation 958814 (VCV000958814.7), dbSNP rs895208304, ClinGen allele CA212978552.